The following is an entry in ClinVar:

ClinVar aggregate classification (germline): Uncertain significance (1 of 4 stars; one submission).

Submission:

GeneDx
Classification: Uncertain significance. Last evaluated: 2023-12-18. Review status: criteria provided, single submitter. Criteria: GeneDx Variant Classification Process June 2021. Collection method: clinical testing. Allele origin: germline. Affected: yes.
Comment: Not observed at significant frequency in large population cohorts (gnomAD); In silico analysis supports that this missense variant has a deleterious effect on protein structure/function; Has not been previously published as pathogenic or benign to our knowledge; Variants in candidate genes are classified as variants of uncertain significance in accordance with ACMG guidelines (PMID: 25741868)

NM_001367534.1(CAMK2G):c.1220A>G (p.Asn407Ser)

Gene: CAMK2G (calcium/calmodulin dependent protein kinase II gamma; minus strand). Cytogenetic location: 10q22.2.
Variant type: single nucleotide variant.
Coding change: c.1220A>G on transcript NM_001367534.1 (MANE Select); coding-DNA position 1220, A replaced by G.
Protein change: p.Asn407Ser; replaces asparagine 407 with serine.
Molecular consequence: missense variant. On other transcripts: non-coding transcript variant (8).
Genome position (GRCh38, 1-based): chr10:73,821,711, T>C on the plus strand (A>G on the coding strand, the complement: CAMK2G is on the minus strand). VCF-style: chr10-73821711-T-C. GRCh37 (hg19) VCF-style: chr10-75581469-T-C.
Other names: c.1187A>G, p.Asn396Ser (NM_001204492.2, NM_001367521.1, NM_001367544.1); c.1055A>G, p.Asn352Ser (NM_001222.4, NM_001367528.1, NM_001367541.1 and 1 more transcripts); c.1151A>G, p.Asn384Ser (NM_001320898.2, NM_001367523.1, NM_001367546.1 and 2 more transcripts); c.1100A>G, p.Asn367Ser (NM_001367514.1, NM_001367525.1, NM_001367532.1); c.1124A>G, p.Asn375Ser (NM_001367516.1, NM_001367517.1, NM_001367526.1 and 4 more transcripts); c.1088A>G, p.Asn363Ser (NM_001367518.1, NM_001367519.1, NM_001367522.1 and 1 more transcripts); c.1082A>G, p.Asn361Ser (NM_001367520.1, NM_001367533.1, NM_172173.3); c.905A>G, p.Asn302Ser (NM_001367524.1); and 9 more; short protein forms N130S, N145S, N248S, N293S, N302S, N352S, N361S, N363S.
Identifiers: ClinVar variation 1331162 (VCV001331162.3), dbSNP rs199893895, ClinGen allele CA377300137.
Genomic context (GRCh38, chr10:73,821,711, plus strand): 5'-AGTCCTTCCCCCTCCAAGGGCCAGCACCTACCTTTGAGGTCCTCATCTTCTGTGGTGGTG[T>C]TGCAGCTCTCTGTGGAGCCCTGTAGGCCAAAAAGAACATGTTTCTATATGCTCCATCCCT-3'
Protein context (NP_001354463.1, residues 397-417): DGIKGSTESC[Asn407Ser]TTTEDEDLKA